The following is an entry in ClinVar:

NM_005560.6(LAMA5):c.1648G>A (p.Asp550Asn)

Gene: LAMA5 (laminin subunit alpha 5; minus strand). Cytogenetic location: 20q13.33.
Variant type: single nucleotide variant.
Coding change: c.1648G>A on transcript NM_005560.6 (MANE Select); coding-DNA position 1648, G replaced by A.
Protein change: p.Asp550Asn; replaces aspartic acid 550 with asparagine.
Molecular consequence: missense variant.
Genome position (GRCh38, 1-based): chr20:62,338,340, C>T on the plus strand (G>A on the coding strand, the complement: LAMA5 is on the minus strand). VCF-style: chr20-62338340-C-T. GRCh37 (hg19) VCF-style: chr20-60913396-C-T.
Other names: c.1648G>A (NM_005560.3); short protein forms D550N.
Identifiers: ClinVar variation 3710337 (VCV003710337.3).

ClinVar aggregate classification (germline): Uncertain significance. Review status: criteria provided, multiple submitters, no conflicts (2 of 4 stars). 2 submissions from 2 submitters: Uncertain significance (2). Last evaluated 2025-08-12.

Conditions:
Inborn genetic diseases. Identifiers: MedGen C0950123, MeSH D030342.

gnomAD v4.1: 35 of 1,608,538 alleles (0.0022%); highest among the groups gnomAD compares: Middle Eastern, 0.017%; no homozygotes.

Submissions (2):

Ambry Genetics
Classification: Uncertain significance for Inborn genetic diseases. Last evaluated: 2025-08-12. Review status: criteria provided, single submitter. Criteria: Ambry Variant Classification Scheme 2023. Collection method: clinical testing. Allele origin: germline.

Labcorp Genetics (formerly Invitae), Labcorp
Classification: Uncertain significance. Last evaluated: 2024-10-16. Review status: criteria provided, single submitter. Criteria: Invitae Variant Classification Sherloc (09022015). Collection method: clinical testing. Allele origin: germline.
Comment: This sequence change replaces aspartic acid, which is acidic and polar, with asparagine, which is neutral and polar, at codon 550 of the LAMA5 protein (p.Asp550Asn). This variant is present in population databases (rs773872706, gnomAD 0.006%). This variant has not been reported in the literature in individuals affected with LAMA5-related conditions. An algorithm developed to predict the effect of missense changes on protein structure and function outputs the following: PolyPhen-2: "Possibly Damaging". The asparagine amino acid residue is found in multiple mammalian species, which suggests that this missense change does not adversely affect protein function. In summary, the available evidence is currently insufficient to determine the role of this variant in disease. Therefore, it has been classified as a Variant of Uncertain Significance.